The following is an entry in ClinVar:

NM_001458.5(FLNC):c.214G>C (p.Ala72Pro)

Gene: FLNC (filamin C; plus strand). Cytogenetic location: 7q32.1.
Variant type: single nucleotide variant.
Coding change: c.214G>C on transcript NM_001458.5 (MANE Select); coding-DNA position 214, G replaced by C.
Protein change: p.Ala72Pro; replaces alanine 72 with proline.
Molecular consequence: missense variant.
Genome position (GRCh38, 1-based): chr7:128,830,851, G>C. VCF-style: chr7-128830851-G-C. GRCh37 (hg19) VCF-style: chr7-128470905-G-C.
Other names: c.214G>C, p.Ala72Pro (NM_001127487.2); short protein forms A72P.
Identifiers: ClinVar variation 3758898 (VCV003758898.2).

ClinVar aggregate classification (germline): Uncertain significance (1 of 4 stars; one submission).

Conditions:
Distal myopathy with posterior leg and anterior hand involvement. Also called: WILLIAMS DISTAL MYOPATHY. Identifiers: Orphanet 63273, MedGen C3279722, MONDO:0013550, OMIM 614065.
Hypertrophic cardiomyopathy 26. Also called: Cardiomyopathy, familial hypertrophic, 26. Identifiers: Orphanet 75249, MedGen C4310749, MONDO:0014883, OMIM 617047.
Myofibrillar myopathy 5. Also called: Filaminopathy (type); FILAMINOPATHY, AUTOSOMAL DOMINANT. Identifiers: Orphanet 171445, MedGen C1836050, MONDO:0012289, OMIM 609524.

Submission:

Labcorp Genetics (formerly Invitae), Labcorp
Classification: Uncertain significance for Distal myopathy with posterior leg and anterior hand involvement; Myofibrillar myopathy 5; Hypertrophic cardiomyopathy 26. Last evaluated: 2025-01-28. Review status: criteria provided, single submitter. Criteria: Invitae Variant Classification Sherloc (09022015). Collection method: clinical testing. Allele origin: germline.
Comment: This sequence change replaces alanine, which is neutral and non-polar, with proline, which is neutral and non-polar, at codon 72 of the FLNC protein (p.Ala72Pro). This variant is not present in population databases (gnomAD no frequency). This variant has not been reported in the literature in individuals affected with FLNC-related conditions. Invitae Evidence Modeling of protein sequence and biophysical properties (such as structural, functional, and spatial information, amino acid conservation, physicochemical variation, residue mobility, and thermodynamic stability) has been performed for this missense variant. However, the output from this modeling did not meet the statistical confidence thresholds required to predict the impact of this variant on FLNC protein function. In summary, the available evidence is currently insufficient to determine the role of this variant in disease. Therefore, it has been classified as a Variant of Uncertain Significance.